The following is an entry in ClinVar:

NM_001931.5(DLAT):c.1735A>G (p.Ile579Val)

Genes: DLAT (dihydrolipoamide S-acetyltransferase; plus strand), PIH1D2 (PIH1 domain containing 2; minus strand). Cytogenetic location: 11q23.1.
Variant type: single nucleotide variant.
Coding change: c.1735A>G on transcript NM_001931.5 (MANE Select); coding-DNA position 1735, A replaced by G.
Protein change: p.Ile579Val; replaces isoleucine 579 with valine.
Molecular consequence: missense variant. On other transcripts: non-coding transcript variant (1).
Genome position (GRCh38, 1-based): chr11:112,061,095, A>G. VCF-style: chr11-112061095-A-G. GRCh37 (hg19) VCF-style: chr11-111931819-A-G.
Other names: c.1753A>G, p.Ile585Val (NM_001372031.1); c.1729A>G, p.Ile577Val (NM_001372032.1); c.1714A>G, p.Ile572Val (NM_001372033.1); c.1702A>G, p.Ile568Val (NM_001372034.1); c.1627A>G, p.Ile543Val (NM_001372035.1); c.1609A>G, p.Ile537Val (NM_001372036.1); c.1567A>G, p.Ile523Val (NM_001372037.1); c.1456A>G, p.Ile486Val (NM_001372038.1); and 4 more; short protein forms I579V, I438V, I452V, I537V, I474V, I543V, I568V, I577V.
Identifiers: ClinVar variation 1661511 (VCV001661511.11), dbSNP rs371341957, ClinGen allele CA6277004.

ClinVar aggregate classification (germline): Conflicting classifications of pathogenicity. Review status: criteria provided, conflicting classifications (1 of 4 stars). 4 submissions from 4 submitters: Uncertain significance (3); Likely benign (1). Last evaluated 2026-04-20.

Conditions:
Inborn genetic diseases. Identifiers: MedGen C0950123, MeSH D030342.
Leigh syndrome (NULS). Also called: Leigh's necrotizing encephalopathy; Leigh's disease; Leigh Syndrome (mtDNA deletion); LEIGH SYNDROME, NUCLEAR; Leigh's syndrome; Leigh Disease. Identifiers: Orphanet 506, MedGen C2931891, MONDO:0009723, OMIM 256000.
Pyruvate dehydrogenase E2 deficiency (PDHDD). Also called: Dihydrolipoamide Acetyltransferase (E2) Deficiency; LACTIC ACIDEMIA DUE TO DEFECT OF E2 LIPOYL TRANSACETYLASE OF THE PYRUVATE DEHYDROGENASE COMPLEX. Identifiers: Orphanet 765, Orphanet 79244, MedGen C1855565, MONDO:0009502, OMIM 245348.

Allele frequency attached by ClinVar (database versions not stated): gnomAD 0.00007 and 0.00006; ESP Exome Variant Server 0.00008; gnomAD exomes 0.00012 and 0.00004; ExAC 0.00014; TOPMed 0.00009.
gnomAD v4.1: 73 of 1,613,686 alleles (0.0045%); highest among the groups gnomAD compares: East Asian, 0.033%; no homozygotes.

Submissions (4):

GeneDx
Classification: Uncertain significance. Last evaluated: 2026-04-20. Review status: criteria provided, single submitter. Criteria: GeneDx Variant Classification Process June 2021. Collection method: clinical testing. Allele origin: germline.
Comment: In silico analysis suggests that this missense variant does not alter protein structure/function; Has not been previously published as pathogenic or benign to our knowledge; This variant is associated with the following publications: (PMID: 27001614)

Labcorp Genetics (formerly Invitae), Labcorp
Classification: Likely benign for Pyruvate dehydrogenase E2 deficiency. Last evaluated: 2026-01-26. Review status: criteria provided, single submitter. Criteria: Invitae Variant Classification Sherloc (09022015). Collection method: clinical testing. Allele origin: germline.

Ambry Genetics
Classification: Uncertain significance for Inborn genetic diseases. Last evaluated: 2024-12-21. Review status: criteria provided, single submitter. Criteria: Ambry Variant Classification Scheme 2023. Collection method: clinical testing. Allele origin: germline.

Department of Pathology and Laboratory Medicine, Sinai Health System
Classification: Uncertain significance for Leigh syndrome. Last evaluated: 2020-08-13. Review status: criteria provided, single submitter. Criteria: ACMG Guidelines, 2015. Collection method: research. Allele origin: germline.